The following is an entry in ClinVar:

NM_001457.4(FLNB):c.6443T>C (p.Met2148Thr)

Gene: FLNB (filamin B; plus strand). Cytogenetic location: 3p14.3.
Variant type: single nucleotide variant.
Coding change: c.6443T>C on transcript NM_001457.4 (MANE Select); coding-DNA position 6443, T replaced by C.
Protein change: p.Met2148Thr; replaces methionine 2148 with threonine.
Molecular consequence: missense variant.
Genome position (GRCh38, 1-based): chr3:58,153,450, T>C. VCF-style: chr3-58153450-T-C. GRCh37 (hg19) VCF-style: chr3-58139177-T-C.
Other names: c.6371T>C, p.Met2124Thr (NM_001164319.2); c.6536T>C, p.Met2179Thr (NM_001164317.2); c.6410T>C, p.Met2137Thr (NM_001164318.2); short protein forms M2124T, M2137T, M2148T, M2179T.
Identifiers: ClinVar variation 2810402 (VCV002810402.3), dbSNP rs2471223344, ClinGen allele CA353359329.

ClinVar aggregate classification (germline): Uncertain significance (1 of 4 stars; one submission).

Submission:

Labcorp Genetics (formerly Invitae), Labcorp
Classification: Uncertain significance. Last evaluated: 2022-10-28. Review status: criteria provided, single submitter. Criteria: Invitae Variant Classification Sherloc (09022015). Collection method: clinical testing. Allele origin: germline.
Comment: Advanced modeling of protein sequence and biophysical properties (such as structural, functional, and spatial information, amino acid conservation, physicochemical variation, residue mobility, and thermodynamic stability) performed at Invitae indicates that this missense variant is not expected to disrupt FLNB protein function. This variant has not been reported in the literature in individuals affected with FLNB-related conditions. This variant is not present in population databases (gnomAD no frequency). This sequence change replaces methionine, which is neutral and non-polar, with threonine, which is neutral and polar, at codon 2148 of the FLNB protein (p.Met2148Thr). In summary, the available evidence is currently insufficient to determine the role of this variant in disease. Therefore, it has been classified as a Variant of Uncertain Significance.